The following is an entry in ClinVar:

ClinVar aggregate classification (germline): Uncertain significance (1 of 4 stars; one submission).

Conditions:
Tuberous sclerosis 2 (TSC2). Identifiers: Orphanet 805, MedGen C1860707, MONDO:0013199, OMIM 613254.

Submission:

Labcorp Genetics (formerly Invitae), Labcorp
Classification: Uncertain significance for Tuberous sclerosis 2. Last evaluated: 2025-06-16. Review status: criteria provided, single submitter. Criteria: Invitae Variant Classification Sherloc (09022015). Collection method: clinical testing. Allele origin: germline.
Comment: This sequence change replaces serine, which is neutral and polar, with tryptophan, which is neutral and slightly polar, at codon 554 of the TSC2 protein (p.Ser554Trp). This variant is not present in population databases (gnomAD no frequency). This variant has not been reported in the literature in individuals affected with TSC2-related conditions. ClinVar contains an entry for this variant (Variation ID: 2692907). Invitae Evidence Modeling of protein sequence and biophysical properties (such as structural, functional, and spatial information, amino acid conservation, physicochemical variation, residue mobility, and thermodynamic stability) indicates that this missense variant is not expected to disrupt TSC2 protein function with a negative predictive value of 95%. In summary, the available evidence is currently insufficient to determine the role of this variant in disease. Therefore, it has been classified as a Variant of Uncertain Significance.

NM_000548.5(TSC2):c.1661C>G (p.Ser554Trp)

Gene: TSC2 (TSC complex subunit 2; plus strand). Cytogenetic location: 16p13.3.
Variant type: single nucleotide variant.
Coding change: c.1661C>G on transcript NM_000548.5 (MANE Select); coding-DNA position 1661, C replaced by G.
Protein change: p.Ser554Trp; replaces serine 554 with tryptophan.
Molecular consequence: missense variant. On other transcripts: non-coding transcript variant (5).
Genome position (GRCh38, 1-based): chr16:2,065,580, C>G. VCF-style: chr16-2065580-C-G. GRCh37 (hg19) VCF-style: chr16-2115581-C-G.
Other names: c.1661C>G, p.Ser554Trp (NM_001077183.3, NM_001114382.3, NM_001363528.2 and 6 more transcripts); c.1550C>G, p.Ser517Trp (NM_001318827.2, NM_001406670.1, NM_001406678.1); c.1514C>G, p.Ser505Trp (NM_001318829.2, NM_001406679.1, NM_001406675.1 and 1 more transcripts); c.1061C>G, p.Ser354Trp (NM_001318831.2, NM_001406680.1, NM_001406682.1 and 6 more transcripts); c.1694C>G, p.Ser565Trp (NM_001318832.2); c.1199C>G, p.Ser400Trp (NM_001406681.1); c.59C>G, p.Ser20Trp (NM_001406698.1); c.1751C>G, p.Ser584Trp (NM_001406667.1, NM_001406668.1); and 3 more; short protein forms S554W, S565W, S505W, S106W, S20W, S400W, S517W, S354W.
Identifiers: ClinVar variation 2692907 (VCV002692907.3), dbSNP rs45471596, ClinGen allele CA394268066.